The following is an entry in ClinVar:

ClinVar aggregate classification (germline): Likely benign (0 of 4 stars; one submission).

Conditions:
LEPR-related disorder. Also called: LEPR-related condition; LEPR-related disorders.

gnomAD v4.1: 5 of 1,613,902 alleles (0.00031%); highest among the groups gnomAD compares: African/African-American, 0.0053%; no homozygotes.

Submission:

PreventionGenetics, part of Exact Sciences
Classification: Likely benign for LEPR-related condition. Last evaluated: 2021-02-03. Review status: no assertion criteria provided. Collection method: clinical testing. Allele origin: germline.
Comment: This variant is classified as likely benign based on ACMG/AMP sequence variant interpretation guidelines (Richards et al. 2015 PMID: 25741868, with internal and published modifications).

NM_002303.6(LEPR):c.183T>C (p.Asn61=)

Gene: LEPR (leptin receptor; plus strand). Cytogenetic location: 1p31.3.
Variant type: single nucleotide variant.
Coding change: c.183T>C on transcript NM_002303.6 (MANE Select); coding-DNA position 183, T replaced by C.
Protein change: p.Asn61=; no amino-acid change (asparagine 61 retained).
Molecular consequence: synonymous variant.
Genome position (GRCh38, 1-based): chr1:65,570,615, T>C. VCF-style: chr1-65570615-T-C. GRCh37 (hg19) VCF-style: chr1-66036298-T-C.
Other names: c.183T>C, p.Asn61= (NM_001003679.3, NM_001003680.3, NM_001198687.2 and 2 more transcripts).
Identifiers: ClinVar variation 3358355 (VCV003358355.1).
Genomic context (GRCh38, chr1:65,570,615, plus strand): 5'-TTCAACCTATGACTACTTCCTTTTGCCTGCTGGACTCTCAAAGAATACTTCAAATTCGAA[T>C]GGACATTATGAGACAGCTGTTGAACCTAAGTTTAATTCAAGTGGTACTCACTTTTCTAAC-3'
Protein context (NP_002294.2, residues 51-71): AGLSKNTSNS[Asn61=]GHYETAVEPK